The following is an entry in ClinVar:

ClinVar aggregate classification (germline): Pathogenic. Review status: criteria provided, single submitter (1 of 4 stars). 3 submissions from 3 submitters: Pathogenic (1). 2 of the submissions do not count toward it. Last evaluated 2025-04-28.

Conditions:
GORAB-related disorder. Also called: GORAB-related condition.
Geroderma osteodysplastica (GO). Also called: WALT DISNEY DWARFISM; Geroderma osteodysplasticum. Identifiers: Orphanet 2078, MedGen C0432255, MONDO:0009271, OMIM 231070.

Allele frequency attached by ClinVar (database versions not stated): gnomAD exomes 0.00001; TOPMed 0.00001; gnomAD 0.00002.

Submissions (3):

Labcorp Genetics (formerly Invitae), Labcorp
Classification: Pathogenic. Last evaluated: 2025-04-28. Review status: criteria provided, single submitter. Criteria: Invitae Variant Classification Sherloc (09022015). Collection method: clinical testing. Allele origin: germline.
Comment: This sequence change creates a premature translational stop signal (p.Glu148*) in the GORAB gene. It is expected to result in an absent or disrupted protein product. Loss-of-function variants in GORAB are known to be pathogenic (PMID: 18997784, 19681135). This variant is present in population databases (rs119455951, gnomAD 0.003%). This premature translational stop signal has been observed in individual(s) with gerodermia osteodysplastica (PMID: 18997784). It has also been observed to segregate with disease in related individuals. This variant is also known as Glu123X. ClinVar contains an entry for this variant (Variation ID: 2650). For these reasons, this variant has been classified as Pathogenic.

PreventionGenetics, part of Exact Sciences
Classification: Pathogenic for GORAB-related condition. Last evaluated: 2024-01-09. Review status: no assertion criteria provided. Collection method: clinical testing. Allele origin: germline. Not counted in ClinVar's aggregate classification.
Comment: The GORAB c.442G>T variant is predicted to result in premature protein termination (p.Glu148*). In this literature, this variant is also referred to as p.Glu123X. This variant has been reported in the homozygous state in several individuals with gerodermia osteodysplasticum (Hennies et al. 2008. PubMed ID: 18997784). This variant is reported in 0.0027% of alleles in individuals of European (Non-Finnish) descent in gnomAD. Nonsense variants in GORAB are expected to be pathogenic. This variant is interpreted as pathogenic.

OMIM
Classification: Pathogenic for GERODERMA OSTEODYSPLASTICUM. Last evaluated: 2008-12-01. Review status: no assertion criteria provided. Collection method: literature only. Allele origin: germline. Not counted in ClinVar's aggregate classification.

Literature cited by the submitters: PubMed 18997784 (cited by Labcorp Genetics (formerly Invitae), Labcorp and OMIM); PubMed 19681135 (cited by Labcorp Genetics (formerly Invitae), Labcorp); PubMed 631850 (cited by OMIM).

NM_152281.3(GORAB):c.367G>T (p.Glu123Ter)

Gene: GORAB (golgin, RAB6 interacting; plus strand). Cytogenetic location: 1q24.2.
Variant type: single nucleotide variant.
Coding change: c.367G>T on transcript NM_152281.3 (MANE Select); coding-DNA position 367, G replaced by T.
Protein change: p.Glu123Ter; replaces glutamic acid 123 with a stop codon.
Molecular consequence: nonsense. On other transcripts: 5 prime UTR variant (1), non-coding transcript variant (1).
Genome position (GRCh38, 1-based): chr1:170,539,515, G>T. VCF-style: chr1-170539515-G-T. GRCh37 (hg19) VCF-style: chr1-170508656-G-T.
Other names: GORAB, GLU123TER; c.367G>T, p.Glu123Ter (NM_001146039.2); c.-99G>T (NM_001320252.2); c.442G>T (NM_152281.2).
Identifiers: ClinVar variation 2650 (VCV000002650.8), dbSNP rs119455951, ClinGen allele CA115662.